The following is an entry in ClinVar:

ClinVar aggregate classification (germline): Benign/Likely benign. Review status: criteria provided, multiple submitters, no conflicts (2 of 4 stars). 15 submissions from 15 submitters: Benign (8); Likely benign (3). 4 of the submissions do not count toward it. Last evaluated 2026-02-04.

Conditions:
Cardiovascular phenotype. Identifiers: MedGen CN230736.
Alstrom syndrome (ALMS). Identifiers: Orphanet 64, MedGen C0268425, MONDO:0008763, OMIM 203800.
Monogenic diabetes. Identifiers: Orphanet 183625, MedGen C3888631, MONDO:0015967.

Allele frequency attached by ClinVar (database versions not stated): ExAC 0.00149; ESP Exome Variant Server 0.00456; gnomAD 0.00539 and 0.00579; TOPMed 0.00606; 1000 Genomes Project 0.00619; 1000 Genomes Project 30x 0.00718.
gnomAD v4.1: 1,582 of 1,614,016 alleles (0.098%); highest among the groups gnomAD compares: African/African-American, 1.8%; 12 homozygotes.

Submissions (15):

Labcorp Genetics (formerly Invitae), Labcorp
Classification: Benign for Alstrom syndrome. Last evaluated: 2026-02-04. Review status: criteria provided, single submitter. Criteria: Invitae Variant Classification Sherloc (09022015). Collection method: clinical testing. Allele origin: germline.

ARUP Laboratories, Molecular Genetics and Genomics, ARUP Laboratories
Classification: Likely benign for Alstrom syndrome. Last evaluated: 2025-05-15. Review status: criteria provided, single submitter. Criteria: ARUP Molecular Germline Variant Investigation Process 2024. Collection method: clinical testing. Allele origin: germline.

Blueprint Genetics
Classification: Likely benign. Last evaluated: 2024-11-20. Review status: criteria provided, single submitter. Criteria: ACMG Guidelines, 2015. Collection method: clinical testing. Allele origin: germline.

Fulgent Genetics
Classification: Likely benign for Alstrom syndrome. Last evaluated: 2021-09-14. Review status: criteria provided, single submitter. Criteria: ACMG Guidelines, 2015. Collection method: clinical testing. Allele origin: unknown.

Ambry Genetics
Classification: Benign for Cardiovascular phenotype. Last evaluated: 2019-01-26. Review status: criteria provided, single submitter. Criteria: Ambry Variant Classification Scheme 2023. Collection method: clinical testing. Allele origin: germline.

Athena Diagnostics
Classification: Benign. Last evaluated: 2018-09-14. Review status: criteria provided, single submitter. Criteria: Athena Diagnostics Criteria. Collection method: clinical testing. Allele origin: germline.

GeneDx
Classification: Benign. Last evaluated: 2018-06-24. Review status: criteria provided, single submitter. Criteria: GeneDx Variant Classification Process June 2021. Collection method: clinical testing. Allele origin: germline. Affected: yes.

Personalized Diabetes Medicine Program, University of Maryland School of Medicine
Classification: Benign for Monogenic diabetes. Last evaluated: 2018-05-18. Review status: criteria provided, single submitter. Criteria: ACMG Guidelines, 2015. Collection method: research. Allele origin: unknown. Observed: 3 variant alleles, 3 heterozygotes.
Comment: ACMG criteria: BP4 (9 predictors, Revel score 0.018), BS2 (35 cases and 38 controls in an online resource, 3 homozygotes in gnomAD), BP1, BS1 (MAF 1.7% in gnomAD Africans)= benign

Laboratory for Molecular Medicine, Mass General Brigham Personalized Medicine
Classification: Benign. Last evaluated: 2016-03-21. Review status: criteria provided, single submitter. Criteria: LMM Criteria. Collection method: clinical testing. Allele origin: germline. Observed: 1 variant allele.
Comment: p.Ser1064Pro in exon 8 of ALMS1: This variant is not expected to have clinical s ignificance because it has been identified in 1.58% (155/9794) of African chromo somes by the Exome Aggregation Consortium (ExAC; dbSNP rs28730852).

Breakthrough Genomics
Classification: Benign. Review status: criteria provided, single submitter. Criteria: ACMG Guidelines, 2015. Collection method: not provided. Allele origin: germline. Inheritance: Autosomal recessive inheritance. Affected: yes.

Clinical Genomics, Uppaluri K&H Personalized Medicine Clinic
Classification: Benign for Alstrom syndrome. Review status: criteria provided, single submitter. Criteria: K & H Uppaluri Personalized Medicine Clinic Variant Classification & Assertion Criteria_Updated V.1. Collection method: research. Allele origin: unknown. Inheritance: Autosomal recessive inheritance.
Comment: Potent mutations in ALMS1 are associated with a rare condition called Alstrom syndrome. It can cause excessive eating, insulin resistance. However, no evidence is found to ascertain the role of rs28730852 in Alstrom syndrome yet.

Clinical Genetics DNA and cytogenetics Diagnostics Lab, Erasmus MC, Erasmus Medical Center
Classification: Benign. Review status: no assertion criteria provided. Collection method: clinical testing. Allele origin: germline. Affected: yes. Study: VKGL Data-share Consensus. Not counted in ClinVar's aggregate classification.

Clinical Genetics, Academic Medical Center
Classification: Benign. Review status: no assertion criteria provided. Collection method: clinical testing. Allele origin: germline. Affected: yes. Study: VKGL Data-share Consensus. Not counted in ClinVar's aggregate classification.

Genome Diagnostics Laboratory, University Medical Center Utrecht
Classification: Benign. Review status: no assertion criteria provided. Collection method: clinical testing. Allele origin: germline. Affected: yes. Study: VKGL Data-share Consensus. Not counted in ClinVar's aggregate classification.

Laboratory of Diagnostic Genome Analysis, Leiden University Medical Center (LUMC)
Classification: Likely benign. Review status: no assertion criteria provided. Collection method: clinical testing. Allele origin: germline. Affected: yes. Study: VKGL Data-share Consensus. Not counted in ClinVar's aggregate classification.

Literature cited by the submitters: PubMed 34148947 (cited by Clinical Genomics, Uppaluri K&H Personalized Medicine Clinic); PubMed 25846608 (cited by Clinical Genomics, Uppaluri K&H Personalized Medicine Clinic); PubMed 30421101 (cited by Clinical Genomics, Uppaluri K&H Personalized Medicine Clinic); PubMed 33669459 (cited by Clinical Genomics, Uppaluri K&H Personalized Medicine Clinic).

NM_001378454.1(ALMS1):c.3193T>C (p.Ser1065Pro)

Gene: ALMS1 (ALMS1 centrosome and basal body associated protein; plus strand). Cytogenetic location: 2p13.1.
Variant type: single nucleotide variant.
Coding change: c.3193T>C on transcript NM_001378454.1 (MANE Select); coding-DNA position 3193, T replaced by C.
Protein change: p.Ser1065Pro; replaces serine 1065 with proline.
Molecular consequence: missense variant.
Genome position (GRCh38, 1-based): chr2:73,449,720, T>C. VCF-style: chr2-73449720-T-C. GRCh37 (hg19) VCF-style: chr2-73676847-T-C.
Other names: c.3196T>C, p.Ser1066Pro (NM_015120.4); short protein forms S1066P, S1065P.
Identifiers: ClinVar variation 387347 (VCV000387347.32), dbSNP rs28730852, ClinGen allele CA1713480.